The following is an entry in ClinVar:

ClinVar aggregate classification (germline): Uncertain significance (1 of 4 stars; one submission).

Conditions:
Fetal akinesia deformation sequence 2. Identifiers: MedGen C4760576, MONDO:0100102, OMIM 618388.

Allele frequency attached by ClinVar (database versions not stated): TOPMed below 0.00001; gnomAD 0.00001; gnomAD exomes 0.00001.
gnomAD v4.1: 15 of 1,570,060 alleles (0.00096%); highest among the groups gnomAD compares: East Asian, 0.0023%; no homozygotes.

Submission:

Foundation for Research in Genetics and Endocrinology, FRIGE's Institute of Human Genetics
Classification: Uncertain significance for Fetal akinesia deformation sequence 2. Last evaluated: 2022-10-25. Review status: criteria provided, single submitter. Criteria: ACMG Guidelines, 2015. Collection method: clinical testing. Allele origin: germline. Inheritance: Autosomal recessive inheritance. Affected: yes. Observed: 1 heterozygote.
Comment: A heterozygous missense variation in exon 142 of the NEB gene that results in the amino acid substitution of Tryptophan for Leucine at codon 7101 was detected . The p.Leu7101Trp variant has not been reported in the 1000 genomes, gnomAD, and in our internal databases. The in silico predictions of the variant are probably damaging by PolyPhen-2 (HumDiv) and damaging by SIFT and LRT. The reference codon is conserved across species. In summary, the variant meets our criteria to be classified as a variant of uncertain significance.

NM_005055.5(RAPSN):c.1045G>A (p.Val349Ile)

Gene: RAPSN (receptor associated protein of the synapse; minus strand). Cytogenetic location: 11p11.2.
Variant type: single nucleotide variant.
Coding change: c.1045G>A on transcript NM_005055.5 (MANE Select); coding-DNA position 1045, G replaced by A.
Protein change: p.Val349Ile; replaces valine 349 with isoleucine.
Molecular consequence: missense variant.
Genome position (GRCh38, 1-based): chr11:47,438,853, C>T on the plus strand (G>A on the coding strand, the complement: RAPSN is on the minus strand). VCF-style: chr11-47438853-C-T. GRCh37 (hg19) VCF-style: chr11-47460404-C-T.
Other names: p.Val349Ile; c.868G>A, p.Val290Ile (NM_032645.5); short protein forms V290I, V349I.
Identifiers: ClinVar variation 1727211 (VCV001727211.2), dbSNP rs769989687, ClinGen allele CA221714098.
Genomic context (GRCh38, chr11:47,438,853, plus strand): 5'-ACTCGCCGCACAGGCCGCAGTAGAGCTCCGTCTCCTCCACGCACTCGTGGAACCTCACAA[C>T]GTGCGCCCGCAGTTCCCGCTGCAGCCCTTTGCTGCGGTAAATGCTCTCGCTCAGACAGTG-3'
Protein context (NP_005046.2, residues 339-359): KGLQRELRAH[Val349Ile]VRFHECVEET